The following is an entry in ClinVar:

ClinVar aggregate classification (germline): Uncertain significance. Review status: criteria provided, multiple submitters, no conflicts (2 of 4 stars). 2 submissions from 2 submitters: Uncertain significance (2). Last evaluated 2023-11-20.

Allele frequency attached by ClinVar (database versions not stated): gnomAD exomes 0.00004; ExAC 0.00005; gnomAD 0.00009 and 0.00010; TOPMed 0.00014; ESP Exome Variant Server 0.00023.
gnomAD v4.1: 41 of 1,614,004 alleles (0.0025%); highest among the groups gnomAD compares: African/African-American, 0.048%; no homozygotes.

Submissions (2):

Blueprint Genetics
Classification: Uncertain significance. Last evaluated: 2023-11-20. Review status: criteria provided, single submitter. Criteria: ACMG Guidelines, 2015. Collection method: clinical testing. Allele origin: germline.

Labcorp Genetics (formerly Invitae), Labcorp
Classification: Uncertain significance. Last evaluated: 2022-07-11. Review status: criteria provided, single submitter. Criteria: Invitae Variant Classification Sherloc (09022015). Collection method: clinical testing. Allele origin: germline.
Comment: This sequence change replaces methionine, which is neutral and non-polar, with leucine, which is neutral and non-polar, at codon 546 of the ABCA4 protein (p.Met546Leu). This variant is present in population databases (rs148391873, gnomAD 0.05%). This variant has not been reported in the literature in individuals affected with ABCA4-related conditions. ClinVar contains an entry for this variant (Variation ID: 1016750). Advanced modeling of protein sequence and biophysical properties (such as structural, functional, and spatial information, amino acid conservation, physicochemical variation, residue mobility, and thermodynamic stability) performed at Invitae indicates that this missense variant is not expected to disrupt ABCA4 protein function. In summary, the available evidence is currently insufficient to determine the role of this variant in disease. Therefore, it has been classified as a Variant of Uncertain Significance.

NM_000350.3(ABCA4):c.1636A>C (p.Met546Leu)

Gene: ABCA4 (ATP binding cassette subfamily A member 4; minus strand). Cytogenetic location: 1p22.1.
Variant type: single nucleotide variant.
Coding change: c.1636A>C on transcript NM_000350.3 (MANE Select); coding-DNA position 1636, A replaced by C.
Protein change: p.Met546Leu; replaces methionine 546 with leucine.
Molecular consequence: missense variant.
Genome position (GRCh38, 1-based): chr1:94,063,236, T>G on the plus strand (A>C on the coding strand, the complement: ABCA4 is on the minus strand). VCF-style: chr1-94063236-T-G. GRCh37 (hg19) VCF-style: chr1-94528792-T-G.
Other names: c.1636A>C, p.Met546Leu (NM_001425324.1); short protein forms M546L.
Identifiers: ClinVar variation 1016750 (VCV001016750.7), dbSNP rs148391873, ClinGen allele CA958461.